The following is an entry in ClinVar:

NM_001379291.1(BRD4):c.1638G>C (p.Lys546Asn)

Gene: BRD4 (bromodomain containing 4; minus strand). Cytogenetic location: 19p13.12.
Variant type: single nucleotide variant.
Coding change: c.1638G>C on transcript NM_001379291.1 (MANE Select); coding-DNA position 1638, G replaced by C.
Protein change: p.Lys546Asn; replaces lysine 546 with asparagine.
Molecular consequence: missense variant.
Genome position (GRCh38, 1-based): chr19:15,256,177, C>G on the plus strand (G>C on the coding strand, the complement: BRD4 is on the minus strand). VCF-style: chr19-15256177-C-G. GRCh37 (hg19) VCF-style: chr19-15366988-C-G.
Other names: c.1638G>C, p.Lys546Asn (NM_001330384.2, NM_001379292.1, NM_014299.3 and 1 more transcripts); short protein forms K546N.
Identifiers: ClinVar variation 4691096 (VCV004691096.1).

ClinVar aggregate classification (germline): Uncertain significance (1 of 4 stars; one submission).

gnomAD v4.1: 2 of 1,612,366 alleles (0.00012%); highest among the groups gnomAD compares: Non-Finnish European, 0.00017%; no homozygotes.

Submission:

Labcorp Genetics (formerly Invitae), Labcorp
Classification: Uncertain significance. Last evaluated: 2025-11-25. Review status: criteria provided, single submitter. Criteria: Invitae Variant Classification Sherloc (09022015). Collection method: clinical testing. Allele origin: germline.
Comment: This sequence change replaces lysine, which is basic and polar, with asparagine, which is neutral and polar, at codon 546 of the BRD4 protein (p.Lys546Asn). This variant is not present in population databases (gnomAD no frequency). This variant has not been reported in the literature in individuals affected with BRD4-related conditions. Invitae Evidence Modeling of protein sequence and biophysical properties (such as structural, functional, and spatial information, amino acid conservation, physicochemical variation, residue mobility, and thermodynamic stability) indicates that this missense variant is not expected to disrupt BRD4 protein function with a negative predictive value of 80%. In summary, the available evidence is currently insufficient to determine the role of this variant in disease. Therefore, it has been classified as a Variant of Uncertain Significance.